The following is an entry in ClinVar:

NM_173660.5(DOK7):c.752_753delinsTA (p.Ala251Val)

Genes: DOK7 (docking protein 7; plus strand), LOC129992118 (ATAC-STARR-seq lymphoblastoid silent region 15206; plus strand). Cytogenetic location: 4p16.3.
Variant type: Indel.
Coding change: c.752_753delinsTA on transcript NM_173660.5 (MANE Select); coding-DNA positions 752 to 753, CG replaced by TA.
Protein change: p.Ala251Val; replaces alanine 251 with valine.
Molecular consequence: missense variant. On other transcripts: 5 prime UTR variant (1).
Genome position (GRCh38, 1-based): chr4:3,489,776-3,489,777, CG replaced by TA. VCF-style: chr4-3489776-CG-TA. GRCh37 (hg19) VCF-style: chr4-3491503-CG-TA.
Other names: c.741_742delinsTA, p.Gly248Arg (NM_001164673.2); c.-179_-178delinsTA (NM_001256896.2); c.752_753delinsTA, p.Ala251Val (NM_001301071.2); c.320_321delinsTA, p.Ala107Val (NM_001363811.2); short protein forms A107V, A251V, G248R.
Identifiers: ClinVar variation 665451 (VCV000665451.8), dbSNP rs1577172369, ClinGen allele CA915943005.

ClinVar aggregate classification (germline): Uncertain significance (1 of 4 stars; one submission).

Conditions:
Fetal akinesia deformation sequence 1 (FADS1). Also called: Pena-Shokeir syndrome type I; Fetal akinesia sequence. Identifiers: Orphanet 994, MedGen C1276035, MONDO:0100101, OMIM 208150, HP:0001989.
Congenital myasthenic syndrome 10. Also called: Myasthenia, limb-girdle, familial. Identifiers: Orphanet 590, MedGen C1850792, MONDO:0009690, OMIM 254300.

Submission:

Labcorp Genetics (formerly Invitae), Labcorp
Classification: Uncertain significance for Congenital myasthenic syndrome 10; Fetal akinesia deformation sequence 1. Last evaluated: 2023-12-22. Review status: criteria provided, single submitter. Criteria: Invitae Variant Classification Sherloc (09022015). Collection method: clinical testing. Allele origin: germline.
Comment: This sequence change replaces alanine, which is neutral and non-polar, with valine, which is neutral and non-polar, at codon 251 of the DOK7 protein (p.Ala251Val). Information on the frequency of this variant in the gnomAD database is not available, as this variant may be reported differently in the database. This variant has not been reported in the literature in individuals affected with DOK7-related conditions. ClinVar contains an entry for this variant (Variation ID: 665451). Algorithms developed to predict the effect of missense changes on protein structure and function output the following: SIFT: "Not Available"; PolyPhen-2: "Benign"; Align-GVGD: "Not Available". The valine amino acid residue is found in multiple mammalian species, which suggests that this missense change does not adversely affect protein function. In summary, the available evidence is currently insufficient to determine the role of this variant in disease. Therefore, it has been classified as a Variant of Uncertain Significance.